The following is an entry in ClinVar:

NM_021784.5(FOXA2):c.963G>T (p.Lys321Asn)

Gene: FOXA2 (forkhead box A2; minus strand). Cytogenetic location: 20p11.21.
Variant type: single nucleotide variant.
Coding change: c.963G>T on transcript NM_021784.5 (MANE Select); coding-DNA position 963, G replaced by T.
Protein change: p.Lys321Asn; replaces lysine 321 with asparagine.
Molecular consequence: missense variant.
Genome position (GRCh38, 1-based): chr20:22,582,279, C>A on the plus strand (G>T on the coding strand, the complement: FOXA2 is on the minus strand). VCF-style: chr20-22582279-C-A. GRCh37 (hg19) VCF-style: chr20-22562917-C-A.
Other names: c.945G>T, p.Lys315Asn (NM_153675.3); short protein forms K321N, K315N.
Identifiers: ClinVar variation 1976656 (VCV001976656.5), dbSNP rs1568716089, ClinGen allele CA408501375.

ClinVar aggregate classification (germline): Uncertain significance (1 of 4 stars; one submission).

Allele frequency attached by ClinVar (database versions not stated): gnomAD exomes 0.00001.

Submission:

Labcorp Genetics (formerly Invitae), Labcorp
Classification: Uncertain significance. Last evaluated: 2024-06-01. Review status: criteria provided, single submitter. Criteria: Invitae Variant Classification Sherloc (09022015). Collection method: clinical testing. Allele origin: germline.
Comment: This sequence change replaces lysine, which is basic and polar, with asparagine, which is neutral and polar, at codon 321 of the FOXA2 protein (p.Lys321Asn). This variant is not present in population databases (gnomAD no frequency). This variant has not been reported in the literature in individuals affected with FOXA2-related conditions. ClinVar contains an entry for this variant (Variation ID: 1976656). An algorithm developed to predict the effect of missense changes on protein structure and function (PolyPhen-2) suggests that this variant is likely to be tolerated. In summary, the available evidence is currently insufficient to determine the role of this variant in disease. Therefore, it has been classified as a Variant of Uncertain Significance.